The following is an entry in ClinVar:

NM_000081.4(LYST):c.5192A>G (p.Asp1731Gly)

Gene: LYST (lysosomal trafficking regulator; minus strand). Cytogenetic location: 1q42.3.
Variant type: single nucleotide variant.
Coding change: c.5192A>G on transcript NM_000081.4 (MANE Select); coding-DNA position 5192, A replaced by G.
Protein change: p.Asp1731Gly; replaces aspartic acid 1731 with glycine.
Molecular consequence: missense variant.
Genome position (GRCh38, 1-based): chr1:235,780,887, T>C on the plus strand (A>G on the coding strand, the complement: LYST is on the minus strand). VCF-style: chr1-235780887-T-C. GRCh37 (hg19) VCF-style: chr1-235944187-T-C.
Other names: NC_000001.10:g.235944187T>C; c.5192A>G, p.Asp1731Gly (NM_001301365.1); short protein forms D1731G.
Identifiers: ClinVar variation 4390522 (VCV004390522.2).
Genomic context (GRCh38, chr1:235,780,887, plus strand): 5'-TTTACTATAAAATTAAAATTTATAAAATTAAAACTTACAATTAAGAGACCAATATCCACA[T>C]CTTTCTTGGTCATAAAAAGTTCTCTGATTTGTTCACATCGCAAAATTTCTTTATTAATAT-3'
Protein context (NP_000072.2, residues 1721-1741): QIRELFMTKK[Asp1731Gly]VDIGLLIESL

ClinVar aggregate classification (germline): Uncertain significance (1 of 4 stars; one submission).

Conditions:
Chédiak-Higashi syndrome (CHS). Also called: Chediak-Higashi Syndrome. Identifiers: Orphanet 167, MedGen C0007965, MONDO:0008963, OMIM 214500.

gnomAD v4.1: 16 of 1,535,616 alleles (0.001%); highest among the groups gnomAD compares: African/African-American, 0.0014%; no homozygotes.

Submissions (2):

Labcorp Genetics (formerly Invitae), Labcorp
Classification: Uncertain significance for Chédiak-Higashi syndrome. Last evaluated: 2025-03-18. Review status: criteria provided, single submitter. Criteria: Invitae Variant Classification Sherloc (09022015). Collection method: clinical testing. Allele origin: germline.
Comment: This sequence change replaces aspartic acid, which is acidic and polar, with glycine, which is neutral and non-polar, at codon 1731 of the LYST protein (p.Asp1731Gly). This variant is not present in population databases (gnomAD no frequency). This variant has not been reported in the literature in individuals affected with LYST-related conditions. Invitae Evidence Modeling of protein sequence and biophysical properties (such as structural, functional, and spatial information, amino acid conservation, physicochemical variation, residue mobility, and thermodynamic stability) indicates that this missense variant is not expected to disrupt LYST protein function with a negative predictive value of 80%. In summary, the available evidence is currently insufficient to determine the role of this variant in disease. Therefore, it has been classified as a Variant of Uncertain Significance.

Dr. Peter K. Rogan Lab, Western University
No classification provided (evidence only). Condition: Ovarian cancer. Review status: no classification provided. Collection method: in vitro. Allele origin: not applicable. Functional consequence: retained intron. Not counted in ClinVar's aggregate classification.